The following is an entry in ClinVar:

NM_002303.6(LEPR):c.371-6A>C

Gene: LEPR (leptin receptor; plus strand). Cytogenetic location: 1p31.3.
Variant type: single nucleotide variant.
Coding change: c.371-6A>C on transcript NM_002303.6 (MANE Select); 6 bases into the intron before coding-DNA position 371, A replaced by C.
Molecular consequence: intron variant.
Genome position (GRCh38, 1-based): chr1:65,572,320, A>C. VCF-style: chr1-65572320-A-C. GRCh37 (hg19) VCF-style: chr1-66038003-A-C.
Other names: c.371-6A>C (NM_001003679.3, NM_001003680.3, NM_001198689.2 and 2 more transcripts).
Identifiers: ClinVar variation 3350191 (VCV003350191.1).

ClinVar aggregate classification (germline): Likely benign (0 of 4 stars; one submission).

Conditions:
LEPR-related disorder. Also called: LEPR-related condition; LEPR-related disorders.

Submission:

PreventionGenetics, part of Exact Sciences
Classification: Likely benign for LEPR-related condition. Last evaluated: 2024-01-03. Review status: no assertion criteria provided. Collection method: clinical testing. Allele origin: germline.
Comment: This variant is classified as likely benign based on ACMG/AMP sequence variant interpretation guidelines (Richards et al. 2015 PMID: 25741868, with internal and published modifications).